The following is an entry in ClinVar:

ClinVar aggregate classification (germline): Uncertain significance (1 of 4 stars; one submission).

Conditions:
Cholestanol storage disease (CTX). Also called: Cerebrotendinous Xanthomatosis; CTX: Cerebrotendinous xanthomatosis; CEREBRAL CHOLESTERINOSIS. Identifiers: Orphanet 909, MedGen C0238052, MONDO:0008948, OMIM 213700.

Allele frequency attached by ClinVar (database versions not stated): gnomAD exomes below 0.00001; gnomAD 0.00001; TOPMed 0.00001.
gnomAD v4.1: 3 of 1,613,770 alleles (0.00019%); highest among the groups gnomAD compares: African/African-American, 0.0027%; no homozygotes.

Submission:

Labcorp Genetics (formerly Invitae), Labcorp
Classification: Uncertain significance for Cholestanol storage disease. Last evaluated: 2024-10-15. Review status: criteria provided, single submitter. Criteria: Invitae Variant Classification Sherloc (09022015). Collection method: clinical testing. Allele origin: germline.
Comment: This sequence change replaces threonine, which is neutral and polar, with alanine, which is neutral and non-polar, at codon 261 of the CYP27A1 protein (p.Thr261Ala). This variant is present in population databases (no rsID available, gnomAD 0.01%). This variant has not been reported in the literature in individuals affected with CYP27A1-related conditions. ClinVar contains an entry for this variant (Variation ID: 1501275). Invitae Evidence Modeling of protein sequence and biophysical properties (such as structural, functional, and spatial information, amino acid conservation, physicochemical variation, residue mobility, and thermodynamic stability) indicates that this missense variant is not expected to disrupt CYP27A1 protein function with a negative predictive value of 80%. In summary, the available evidence is currently insufficient to determine the role of this variant in disease. Therefore, it has been classified as a Variant of Uncertain Significance.

NM_000784.4(CYP27A1):c.781A>G (p.Thr261Ala)

Gene: CYP27A1 (cytochrome P450 family 27 subfamily A member 1; plus strand). Cytogenetic location: 2q35.
Variant type: single nucleotide variant.
Coding change: c.781A>G on transcript NM_000784.4 (MANE Select); coding-DNA position 781, A replaced by G.
Protein change: p.Thr261Ala; replaces threonine 261 with alanine.
Molecular consequence: missense variant.
Genome position (GRCh38, 1-based): chr2:218,812,686, A>G. VCF-style: chr2-218812686-A-G. GRCh37 (hg19) VCF-style: chr2-219677409-A-G.
Other names: short protein forms T261A.
Identifiers: ClinVar variation 1501275 (VCV001501275.6), dbSNP rs1271066819, ClinGen allele CA350587089.